The following is an entry in ClinVar:

ClinVar aggregate classification (germline): Uncertain significance (1 of 4 stars; one submission).

Conditions:
Inborn genetic diseases. Identifiers: MedGen C0950123, MeSH D030342.

gnomAD v4.1: 1 of 1,614,226 alleles (0.000062%); highest among the groups gnomAD compares: Non-Finnish European, 0.000085%; no homozygotes.

Submission:

Ambry Genetics
Classification: Uncertain significance for Inborn genetic diseases. Last evaluated: 2026-06-26. Review status: criteria provided, single submitter. Criteria: Ambry Variant Classification Scheme 2023. Collection method: clinical testing. Allele origin: germline.
Comment: The p.K419E variant (also known as c.1255A>G), located in coding exon 5 of the GATA2 gene, results from an A to G substitution at nucleotide position 1255. The lysine at codon 419 is replaced by glutamic acid, an amino acid with similar properties. This amino acid position is conserved. In addition, the in silico prediction for this alteration is inconclusive. Based on the available evidence, the clinical significance of this variant remains unclear.

NM_032638.5(GATA2):c.1255A>G (p.Lys419Glu)

Gene: GATA2 (GATA binding protein 2; minus strand). Cytogenetic location: 3q21.3.
Variant type: single nucleotide variant.
Coding change: c.1255A>G on transcript NM_032638.5 (MANE Select); coding-DNA position 1255, A replaced by G.
Protein change: p.Lys419Glu; replaces lysine 419 with glutamic acid.
Molecular consequence: missense variant.
Genome position (GRCh38, 1-based): chr3:128,481,207, T>C on the plus strand (A>G on the coding strand, the complement: GATA2 is on the minus strand). VCF-style: chr3-128481207-T-C. GRCh37 (hg19) VCF-style: chr3-128200050-T-C.
Other names: c.1255A>G, p.Lys419Glu (NM_001145661.2); c.1213A>G, p.Lys405Glu (NM_001145662.1); short protein forms K405E, K419E.
Identifiers: ClinVar variation 5022175 (VCV005022175.1).